The following is an entry in ClinVar:

ClinVar aggregate classification (germline): Uncertain significance. Review status: criteria provided, multiple submitters, no conflicts (2 of 4 stars). 2 submissions from 2 submitters: Uncertain significance (2). Last evaluated 2025-07-27.

Conditions:
Hereditary cancer-predisposing syndrome. Also called: Neoplastic Syndromes, Hereditary; Tumor predisposition; Hereditary neoplastic syndrome; Hereditary Cancer Syndrome. Identifiers: Orphanet 140162, MedGen C0027672, MeSH D009386, MONDO:0015356.

Submissions (2):

Labcorp Genetics (formerly Invitae), Labcorp
Classification: Uncertain significance. Last evaluated: 2025-07-27. Review status: criteria provided, single submitter. Criteria: Invitae Variant Classification Sherloc (09022015). Collection method: clinical testing. Allele origin: germline.
Comment: This sequence change replaces lysine, which is basic and polar, with glutamic acid, which is acidic and polar, at codon 1058 of the POLE protein (p.Lys1058Glu). This variant is not present in population databases (gnomAD no frequency). This variant has not been reported in the literature in individuals affected with POLE-related conditions. ClinVar contains an entry for this variant (Variation ID: 3308370). Invitae Evidence Modeling of protein sequence and biophysical properties (such as structural, functional, and spatial information, amino acid conservation, physicochemical variation, residue mobility, and thermodynamic stability) indicates that this missense variant is expected to disrupt POLE protein function with a positive predictive value of 80%. In summary, the available evidence is currently insufficient to determine the role of this variant in disease. Therefore, it has been classified as a Variant of Uncertain Significance.

Ambry Genetics
Classification: Uncertain significance for Hereditary cancer-predisposing syndrome. Last evaluated: 2024-04-08. Review status: criteria provided, single submitter. Criteria: Ambry Variant Classification Scheme 2023. Collection method: clinical testing. Allele origin: germline.
Comment: The p.K1058E variant (also known as c.3172A>G), located in coding exon 26 of the POLE gene, results from an A to G substitution at nucleotide position 3172. The lysine at codon 1058 is replaced by glutamic acid, an amino acid with similar properties. This amino acid position is conserved. In addition, the in silico prediction for this alteration is inconclusive. Based on the available evidence, the clinical significance of this variant remains unclear.

NM_006231.4(POLE):c.3172A>G (p.Lys1058Glu)

Gene: POLE (DNA polymerase epsilon, catalytic subunit; minus strand). Cytogenetic location: 12q24.33.
Variant type: single nucleotide variant.
Coding change: c.3172A>G on transcript NM_006231.4 (MANE Select); coding-DNA position 3172, A replaced by G.
Protein change: p.Lys1058Glu; replaces lysine 1058 with glutamic acid.
Molecular consequence: missense variant.
Genome position (GRCh38, 1-based): chr12:132,659,398, T>C on the plus strand (A>G on the coding strand, the complement: POLE is on the minus strand). VCF-style: chr12-132659398-T-C. GRCh37 (hg19) VCF-style: chr12-133235984-T-C.
Other names: short protein forms K1058E.
Identifiers: ClinVar variation 3308370 (VCV003308370.2).